The following is an entry in ClinVar:

NM_198334.3(GANAB):c.2693G>C (p.Gly898Ala)

Gene: GANAB (glucosidase II alpha subunit; minus strand). Cytogenetic location: 11q12.3.
Variant type: single nucleotide variant.
Coding change: c.2693G>C on transcript NM_198334.3 (MANE Select); coding-DNA position 2693, G replaced by C.
Protein change: p.Gly898Ala; replaces glycine 898 with alanine.
Molecular consequence: missense variant.
Genome position (GRCh38, 1-based): chr11:62,626,097, C>G on the plus strand (G>C on the coding strand, the complement: GANAB is on the minus strand). VCF-style: chr11-62626097-C-G. GRCh37 (hg19) VCF-style: chr11-62393569-C-G.
Other names: c.2417G>C, p.Gly806Ala (NM_001278192.2); c.2351G>C, p.Gly784Ala (NM_001278193.2); c.2402G>C, p.Gly801Ala (NM_001278194.2, NM_001329222.2, NM_001329223.2); c.1970G>C, p.Gly657Ala (NM_001329224.2, NM_001329225.2); c.2759G>C, p.Gly920Ala (NM_198335.4); short protein forms G920A, G784A, G657A, G801A, G806A, G898A.
Identifiers: ClinVar variation 636767 (VCV000636767.4), dbSNP rs1590789480, ClinGen allele CA380985232.
Genomic context (GRCh38, chr11:62,626,097, plus strand): 5'-CATCCTAGGGGCCAGATTGGTCACTCACCTTTTGTCTGGAGTACCACAGCTGCTGGCTTT[C>G]CAGCCCCTATTATCACCACCCGCTCAATCCAGATTGGTGTCTCAAAGTGTCCTTCAGGGT-3'
Protein context (NP_938148.1, residues 888-908): WIERVVIIGA[Gly898Ala]KPAAVVLQTK

ClinVar aggregate classification (germline): Uncertain significance. Review status: criteria provided, multiple submitters, no conflicts (2 of 4 stars). 2 submissions from 2 submitters: Uncertain significance (2). Last evaluated 2025-08-13.

Conditions:
Polycystic kidney disease 3 with or without polycystic liver disease. Also called: Polycystic kidney disease 3; POLYCYSTIC KIDNEY DISEASE, ADULT, TYPE III; Polycystic Kidney and/or Polycystic Liver Disease 3. Identifiers: MedGen C3887964, MONDO:0010916, OMIM 600666.

Allele frequency attached by ClinVar (database versions not stated): TOPMed 0.00001.

Submissions (2):

Victorian Clinical Genetics Services, Murdoch Childrens Research Institute
Classification: Uncertain significance for Polycystic kidney disease 3 with or without polycystic liver disease. Last evaluated: 2025-08-13. Review status: criteria provided, single submitter. Criteria: ACMG Guidelines, 2015. Collection method: clinical testing. Allele origin: germline. Affected: yes.
Comment: This variant is classified as VUS-3B. Evidence in support of pathogenic classification: Variant is absent from gnomAD (v2, v3 and v4). Evidence in support of benign classification: Missense variant predicted to be tolerated by in silico tool(s) or not conserved in placental mammals with a minor amino acid change. Additional information: Variant is predicted to result in a missense amino acid change from Gly to Ala; This variant is heterozygous; This gene is associated with autosomal dominant disease; Alternative amino acid change(s) at the same position are present in gnomAD (v4: 1 heterozygote(s), 0 homozygote(s)); Previous evidence of pathogenicity for this variant is inconclusive. This variant has been classified as a VUS by a clinical laboratory in ClinVar; No published evidence of segregation with disease has been identified for this variant; No published functional evidence has been identified for this variant; No comparable missense variants have previous evidence for pathogenicity; Variant is not located in an established domain, motif, hotspot or informative constraint region; Loss of function is a known mechanism of disease in this gene and is associated with polycystic kidney disease 3 (MIM#600666); Inheritance information for this variant is not currently available in this individual.

Blueprint Genetics
Classification: Uncertain significance. Last evaluated: 2018-08-28. Review status: criteria provided, single submitter. Criteria: ACMG Guidelines, 2015. Collection method: clinical testing. Allele origin: germline.